The following is an entry in ClinVar:

NM_001353788.2(APBA2):c.864C>T (p.Pro288=)

Gene: APBA2 (amyloid beta precursor protein binding family A member 2; plus strand). Cytogenetic location: 15q13.1.
Variant type: single nucleotide variant.
Coding change: c.864C>T on transcript NM_001353788.2 (MANE Select); coding-DNA position 864, C replaced by T.
Protein change: p.Pro288=; no amino-acid change (proline 288 retained).
Molecular consequence: synonymous variant.
Genome position (GRCh38, 1-based): chr15:29,054,748, C>T. VCF-style: chr15-29054748-C-T. GRCh37 (hg19) VCF-style: chr15-29346951-C-T.
Other names: c.864C>T, p.Pro288= (NM_001130414.1, NM_001353789.2, NM_001353790.2 and 7 more transcripts).
Identifiers: ClinVar variation 3051260 (VCV003051260.2), dbSNP rs370968355, ClinGen allele CA7445197.

ClinVar aggregate classification (germline): Likely benign (0 of 4 stars; one submission).

Conditions:
APBA2-related disorder. Also called: APBA2-related condition.

Allele frequency attached by ClinVar (database versions not stated): ESP Exome Variant Server 0.00008; gnomAD 0.00017; ExAC 0.00023.
gnomAD v4.1: 231 of 1,610,184 alleles (0.014%); highest among the groups gnomAD compares: South Asian, 0.14%; no homozygotes.

Submission:

PreventionGenetics, part of Exact Sciences
Classification: Likely benign for APBA2-related condition. Last evaluated: 2020-02-04. Review status: no assertion criteria provided. Collection method: clinical testing. Allele origin: germline.
Comment: This variant is classified as likely benign based on ACMG/AMP sequence variant interpretation guidelines (Richards et al. 2015 PMID: 25741868, with internal and published modifications).